The following is an entry in ClinVar:

NM_007215.4(POLG2):c.295T>C (p.Phe99Leu)

Genes: MILR1 (mast cell immunoglobulin like receptor 1; plus strand), POLG2 (DNA polymerase gamma 2, accessory subunit; minus strand). Cytogenetic location: 17q23.3.
Variant type: single nucleotide variant.
Coding change: c.295T>C on transcript NM_007215.4 (MANE Select); coding-DNA position 295, T replaced by C.
Protein change: p.Phe99Leu; replaces phenylalanine 99 with leucine.
Molecular consequence: missense variant.
Genome position (GRCh38, 1-based): chr17:64,496,674, A>G on the plus strand (T>C on the coding strand, the complement: POLG2 is on the minus strand). VCF-style: chr17-64496674-A-G. GRCh37 (hg19) VCF-style: chr17-62492792-A-G.
Other names: short protein forms F99L.
Identifiers: ClinVar variation 2710614 (VCV002710614.3), dbSNP rs2509560828, ClinGen allele CA400641230.

ClinVar aggregate classification (germline): Uncertain significance (1 of 4 stars; one submission).

Submission:

Labcorp Genetics (formerly Invitae), Labcorp
Classification: Uncertain significance. Last evaluated: 2024-01-21. Review status: criteria provided, single submitter. Criteria: Invitae Variant Classification Sherloc (09022015). Collection method: clinical testing. Allele origin: germline.
Comment: This sequence change replaces phenylalanine, which is neutral and non-polar, with leucine, which is neutral and non-polar, at codon 99 of the POLG2 protein (p.Phe99Leu). This variant is not present in population databases (gnomAD no frequency). This variant has not been reported in the literature in individuals affected with POLG2-related conditions. Algorithms developed to predict the effect of missense changes on protein structure and function output the following: SIFT: "Not Available"; PolyPhen-2: "Benign"; Align-GVGD: "Not Available". The leucine amino acid residue is found in multiple mammalian species, which suggests that this missense change does not adversely affect protein function. In summary, the available evidence is currently insufficient to determine the role of this variant in disease. Therefore, it has been classified as a Variant of Uncertain Significance.